The following is an entry in ClinVar:

ClinVar aggregate classification (germline): Uncertain significance (1 of 4 stars; one submission).

Conditions:
Multiple endocrine neoplasia, type 2 (MEN2). Identifiers: Orphanet 653, MedGen C4048306, MONDO:0019003. Disease mechanism: gain of function.

Submission:

Labcorp Genetics (formerly Invitae), Labcorp
Classification: Uncertain significance for Multiple endocrine neoplasia, type 2. Last evaluated: 2024-11-13. Review status: criteria provided, single submitter. Criteria: Invitae Variant Classification Sherloc (09022015). Collection method: clinical testing. Allele origin: germline.
Comment: This sequence change replaces leucine, which is neutral and non-polar, with phenylalanine, which is neutral and non-polar, at codon 196 of the RET protein (p.Leu196Phe). This variant is not present in population databases (gnomAD no frequency). This variant has not been reported in the literature in individuals affected with RET-related conditions. An algorithm developed to predict the effect of missense changes on protein structure and function outputs the following: PolyPhen-2: "Benign". The phenylalanine amino acid residue is found in multiple mammalian species, which suggests that this missense change does not adversely affect protein function. In summary, the available evidence is currently insufficient to determine the role of this variant in disease. Therefore, it has been classified as a Variant of Uncertain Significance.

NM_020975.6(RET):c.588G>T (p.Leu196Phe)

Gene: RET (ret proto-oncogene; plus strand). Cytogenetic location: 10q11.21.
Variant type: single nucleotide variant.
Coding change: c.588G>T on transcript NM_020975.6 (MANE Select); coding-DNA position 588, G replaced by T.
Protein change: p.Leu196Phe; replaces leucine 196 with phenylalanine.
Molecular consequence: missense variant. On other transcripts: intron variant (15).
Genome position (GRCh38, 1-based): chr10:43,102,592, G>T. VCF-style: chr10-43102592-G-T. GRCh37 (hg19) VCF-style: chr10-43598040-G-T.
Other names: c.459G>T, p.Leu153Phe (NM_001406762.1, NM_001406764.1, NM_001406768.1 and 4 more transcripts); c.588G>T, p.Leu196Phe (NM_001406763.1, NM_001406765.1, NM_001406769.1 and 14 more transcripts); c.337+1870G>T (NM_001406770.1, NM_001406766.1, NM_001406767.1 and 8 more transcripts); c.74-6439G>T (NM_001406784.1); c.74-9507G>T (NM_001406794.1, NM_001406792.1, NM_001406793.1); short protein forms L153F, L196F.
Identifiers: ClinVar variation 3641644 (VCV003641644.2).